The following is an entry in ClinVar:

ClinVar aggregate classification (germline): Likely pathogenic. Review status: criteria provided, single submitter (1 of 4 stars). 2 submissions from 2 submitters: Likely pathogenic (1). 1 of the submissions does not count toward it. Last evaluated 2014-06-13.

Conditions:
Developmental and epileptic encephalopathy, 5 (DEE5). Identifiers: Orphanet 3451, MedGen C3150731, MONDO:0013277, OMIM 613477.

Submissions (2):

GeneDx
Classification: Likely pathogenic. Last evaluated: 2014-06-13. Review status: criteria provided, single submitter. Criteria: GeneDx Variant Classification (06012015). Collection method: clinical testing. Allele origin: germline. Affected: yes.
Comment: p.Asp2300Val (GAC>GTC): c.6899 A>T in exon 53 of the SPTAN1 gene (NM_001130438.2) The D2300V variant has not been published as a mutation, nor has it been reported as a benign polymorphism to our knowledge. It was not observed in approximately 6,500 individuals of European and African American ancestry in the NHLBI Exome Sequencing Project, indicating it is not a common benign variant in these populations. The D2300V variant is a non-conservative amino acid substitution, which is likely to impact secondary protein structure as these residues differ in polarity, charge, size and/or other properties. This substitution occurs at a position that is conserved across species, and in silico analysis predicts this variant is probably damaging to the protein structure/function. However, missense mutations have not been reported in this region of the protein in association with epilepsy. Therefore, based on the currently available information, it is likely this variant is a pathogenic mutation; however, the possibility that it is a benign variant cannot be completely excluded. The variant is found in EPILEPSY panel(s).

Genomics England Pilot Project, Genomics England
Classification: Likely pathogenic for Developmental and epileptic encephalopathy, 5. Review status: no assertion criteria provided. Criteria: ACGS Guidelines, 2016. Collection method: clinical testing. Allele origin: germline. Affected: yes. Not counted in ClinVar's aggregate classification.

NM_001130438.3(SPTAN1):c.6899A>T (p.Asp2300Val)

Gene: SPTAN1 (spectrin alpha, non-erythrocytic 1; plus strand). Cytogenetic location: 9q34.11.
Variant type: single nucleotide variant.
Coding change: c.6899A>T on transcript NM_001130438.3 (MANE Select); coding-DNA position 6899, A replaced by T.
Protein change: p.Asp2300Val; replaces aspartic acid 2300 with valine.
Molecular consequence: missense variant.
Genome position (GRCh38, 1-based): chr9:128,632,263, A>T. VCF-style: chr9-128632263-A-T. GRCh37 (hg19) VCF-style: chr9-131394542-A-T.
Other names: p.D2300V:GAC>GTC; c.6824A>T, p.Asp2275Val (NM_001195532.2); c.6962A>T, p.Asp2321Val (NM_001363759.2); c.6839A>T, p.Asp2280Val (NM_001363765.2); c.6884A>T, p.Asp2295Val (NM_003127.4); short protein forms D2300V, D2275V, D2295V, D2280V, D2321V.
Identifiers: ClinVar variation 207359 (VCV000207359.4), dbSNP rs796053327, ClinGen allele CA318747.
Genomic context (GRCh38, chr9:128,632,263, plus strand): 5'-CCCTCATCCTGGACAACAAGTACACGGAGCACAGCACCGTGGGCCTCGCCCAGCAGTGGG[A>T]CCAGCTGGACCAGCTGGGCATGCGCATGCAGCACAACCTGGAGCAGCAGATCCAGGCCAG-3'
Protein context (NP_001123910.1, residues 2290-2310): HSTVGLAQQW[Asp2300Val]QLDQLGMRMQ